The following is an entry in ClinVar:

ClinVar aggregate classification (germline): Uncertain significance (1 of 4 stars; one submission).

Conditions:
Postaxial polydactyly-anterior pituitary anomalies-facial dysmorphism syndrome. Also called: Culler-Jones syndrome. Identifiers: Orphanet 420584, MedGen C4014479, MONDO:0014369, OMIM 615849.
Holoprosencephaly 9 (HPE9). Also called: HOLOPROSENCEPHALY WITH MICROPHTHALMIA AND FIRST BRANCHIAL ARCH ANOMALIES; PITUITARY ANOMALIES WITH HOLOPROSENCEPHALY-LIKE FEATURES. Identifiers: Orphanet 2162, MedGen C1835819, MONDO:0012563, OMIM 610829.

Submission:

Juno Genomics, Hangzhou Juno Genomics, Inc
Classification: Uncertain significance for Holoprosencephaly 9; Postaxial polydactyly-anterior pituitary anomalies-facial dysmorphism syndrome. Review status: criteria provided, single submitter. Criteria: ACMG Guidelines, 2015. Collection method: clinical testing. Allele origin: germline.
Comment: Absent from controls (or at extremely low frequency if recessive) in Genome Aggregation Database.;Null variant in a gene where loss of function (LOF) is a known mechanism of disease.

NM_001374353.1(GLI2):c.4123C>T (p.Gln1375Ter)

Gene: GLI2 (GLI family zinc finger 2; plus strand). Cytogenetic location: 2q14.2.
Variant type: single nucleotide variant.
Coding change: c.4123C>T on transcript NM_001374353.1 (MANE Select); coding-DNA position 4123, C replaced by T.
Protein change: p.Gln1375Ter; replaces glutamine 1375 with a stop codon.
Molecular consequence: nonsense.
Genome position (GRCh38, 1-based): chr2:120,990,088, C>T. VCF-style: chr2-120990088-C-T. GRCh37 (hg19) VCF-style: chr2-121747664-C-T.
Other names: c.4174C>T, p.Gln1392Ter (NM_001371271.1, NM_005270.5); c.3748C>T, p.Gln1250Ter (NM_001374354.1); short protein forms Q1250*, Q1375*, Q1392*.
Identifiers: ClinVar variation 5019516 (VCV005019516.2).